The following is an entry in ClinVar:

ClinVar aggregate classification (germline): Likely benign. Review status: criteria provided, multiple submitters, no conflicts (2 of 4 stars). 2 submissions from 2 submitters: Likely benign (2). Last evaluated 2025-01-01.

Conditions:
Hereditary spastic paraplegia 7 (SPG7). Also called: Autosomal recessive spastic paraplegia type 7; SPG7-related neurologic disorder; Spastic paraplegia 7; Hereditary spastic paraplegia Paraplegin type; SPASTIC PARAPLEGIA 7, AUTOSOMAL RECESSIVE, WITH OR WITHOUT CEREBELLAR ATAXIA. Identifiers: Orphanet 99013, MedGen C1846564, MONDO:0011803, OMIM 607259.

Allele frequency attached by ClinVar (database versions not stated): gnomAD 0.00001; gnomAD exomes 0.00001; TOPMed 0.00001; ExAC 0.00002.
gnomAD v4.1: 11 of 1,614,032 alleles (0.00068%); highest among the groups gnomAD compares: African/African-American, 0.008%; no homozygotes.

Submissions (2):

CeGaT Center for Human Genetics Tuebingen
Classification: Likely benign. Last evaluated: 2025-01-01. Review status: criteria provided, single submitter. Criteria: CeGaT Center For Human Genetics Tuebingen Variant Classification Criteria Version 2. Collection method: clinical testing. Allele origin: germline. Affected: yes. Observed: 2 variant alleles.
Comment: SPG7: BP4, BP7

Labcorp Genetics (formerly Invitae), Labcorp
Classification: Likely benign for Hereditary spastic paraplegia 7. Last evaluated: 2024-11-10. Review status: criteria provided, single submitter. Criteria: Invitae Variant Classification Sherloc (09022015). Collection method: clinical testing. Allele origin: germline.

NM_003119.4(SPG7):c.930C>T (p.Asp310=)

Gene: SPG7 (SPG7 matrix AAA peptidase subunit, paraplegin; plus strand). Cytogenetic location: 16q24.3.
Variant type: single nucleotide variant.
Coding change: c.930C>T on transcript NM_003119.4 (MANE Select); coding-DNA position 930, C replaced by T.
Protein change: p.Asp310=; no amino-acid change (aspartic acid 310 retained).
Molecular consequence: synonymous variant.
Genome position (GRCh38, 1-based): chr16:89,530,751, C>T. VCF-style: chr16-89530751-C-T. GRCh37 (hg19) VCF-style: chr16-89597159-C-T.
Other names: c.930C>T, p.Asp310= (NM_001363850.1, NM_199367.3).
Identifiers: ClinVar variation 1012414 (VCV001012414.41), dbSNP rs779449885, ClinGen allele CA8243848.